The following is an entry in ClinVar:

ClinVar aggregate classification (germline): Likely benign (1 of 4 stars; one submission).

gnomAD v4.1: 54 of 1,612,834 alleles (0.0033%); highest among the groups gnomAD compares: Non-Finnish European, 0.0042%; no homozygotes.

Submission:

CeGaT Center for Human Genetics Tuebingen
Classification: Likely benign. Last evaluated: 2026-04-01. Review status: criteria provided, single submitter. Criteria: CeGaT Center For Human Genetics Tuebingen Variant Classification Criteria Version 2. Collection method: clinical testing. Allele origin: germline. Affected: yes. Observed: 1 variant allele.
Comment: TNIK: BP4, BP7

NM_015028.4(TNIK):c.2431C>T (p.Leu811=)

Gene: TNIK (TRAF2 and NCK interacting kinase; minus strand). Cytogenetic location: 3q26.2.
Variant type: single nucleotide variant.
Coding change: c.2431C>T on transcript NM_015028.4 (MANE Select); coding-DNA position 2431, C replaced by T.
Protein change: p.Leu811=; no amino-acid change (leucine 811 retained).
Molecular consequence: synonymous variant.
Genome position (GRCh38, 1-based): chr3:171,101,609, G>A on the plus strand (C>T on the coding strand, the complement: TNIK is on the minus strand). VCF-style: chr3-171101609-G-A. GRCh37 (hg19) VCF-style: chr3-170819398-G-A.
Other names: c.2344C>T, p.Leu782= (NM_001161561.3); c.2320C>T, p.Leu774= (NM_001161562.3); c.2266C>T, p.Leu756= (NM_001161563.3); c.2242C>T, p.Leu748= (NM_001161564.3); c.2179C>T, p.Leu727= (NM_001161565.3); c.2155C>T, p.Leu719= (NM_001161566.3); c.2407C>T, p.Leu803= (NM_001161560.3).
Identifiers: ClinVar variation 4873253 (VCV004873253.2).